The following is an entry in ClinVar:

NM_015909.4(NBAS):c.6744C>T (p.Asn2248=)

Gene: NBAS (NBAS subunit of NRZ tethering complex; minus strand). Cytogenetic location: 2p24.3.
Variant type: single nucleotide variant.
Coding change: c.6744C>T on transcript NM_015909.4 (MANE Select); coding-DNA position 6744, C replaced by T.
Protein change: p.Asn2248=; no amino-acid change (asparagine 2248 retained).
Molecular consequence: synonymous variant. On other transcripts: non-coding transcript variant (1).
Genome position (GRCh38, 1-based): chr2:15,179,084, G>A on the plus strand (C>T on the coding strand, the complement: NBAS is on the minus strand). VCF-style: chr2-15179084-G-A. GRCh37 (hg19) VCF-style: chr2-15319208-G-A.
Other names: c.6744C>T (NM_015909.3).
Identifiers: ClinVar variation 1599224 (VCV001599224.9), dbSNP rs553823866, ClinGen allele CA1534897.

ClinVar aggregate classification (germline): Benign/Likely benign. Review status: criteria provided, multiple submitters, no conflicts (2 of 4 stars). 2 submissions from 2 submitters: Benign (1); Likely benign (1). Last evaluated 2026-06-15.

Conditions:
NBAS-related disorder. Also called: NBAS-related condition.

Allele frequency attached by ClinVar (database versions not stated): gnomAD 0.00001 and 0.00006; TOPMed 0.00001; gnomAD exomes 0.00011 and 0.00021; 1000 Genomes Project 30x 0.00016; 1000 Genomes Project 0.00020; ExAC 0.00028.
gnomAD v4.1: 165 of 1,614,194 alleles (0.01%); highest among the groups gnomAD compares: South Asian, 0.17%; 3 homozygotes.

Submissions (2):

PreventionGenetics, part of Exact Sciences
Classification: Likely benign for NBAS-related condition. Last evaluated: 2026-06-15. Review status: criteria provided, single submitter. Criteria: ACMG Guidelines, 2015. Collection method: clinical testing. Allele origin: germline.
Comment: This variant is classified as likely benign based on ACMG/AMP sequence variant interpretation guidelines (Richards et al. 2015 PMID: 25741868, with internal and published modifications).

Labcorp Genetics (formerly Invitae), Labcorp
Classification: Benign. Last evaluated: 2025-12-17. Review status: criteria provided, single submitter. Criteria: Invitae Variant Classification Sherloc (09022015). Collection method: clinical testing. Allele origin: germline.